The following is an entry in ClinVar:

ClinVar aggregate classification (germline): Uncertain significance (1 of 4 stars; one submission).

Allele frequency attached by ClinVar (database versions not stated): gnomAD exomes below 0.00001.
gnomAD v4.1: 2 of 1,610,410 alleles (0.00012%); highest among the groups gnomAD compares: Non-Finnish European, 0.00017%; no homozygotes.

Submission:

Labcorp Genetics (formerly Invitae), Labcorp
Classification: Uncertain significance. Last evaluated: 2023-01-09. Review status: criteria provided, single submitter. Criteria: Invitae Variant Classification Sherloc (09022015). Collection method: clinical testing. Allele origin: germline.
Comment: In summary, the available evidence is currently insufficient to determine the role of this variant in disease. Therefore, it has been classified as a Variant of Uncertain Significance. Variants that disrupt the consensus splice site are a relatively common cause of aberrant splicing (PMID: 17576681, 9536098). Algorithms developed to predict the effect of sequence changes on RNA splicing suggest that this variant may disrupt the consensus splice site. This variant has not been reported in the literature in individuals affected with A2ML1-related conditions. This variant is present in population databases (no rsID available, gnomAD 0.0009%). This sequence change falls in intron 29 of the A2ML1 gene. It does not directly change the encoded amino acid sequence of the A2ML1 protein. It affects a nucleotide within the consensus splice site.

Literature cited by the submitters: PubMed 17576681; PubMed 9536098.

NM_144670.6(A2ML1):c.3717+3A>C

Gene: A2ML1 (alpha-2-macroglobulin like 1; plus strand). Cytogenetic location: 12p13.31.
Variant type: single nucleotide variant.
Coding change: c.3717+3A>C on transcript NM_144670.6 (MANE Select); 3 bases into the intron after coding-DNA position 3717, A replaced by C.
Molecular consequence: intron variant.
Genome position (GRCh38, 1-based): chr12:8,864,011, A>C. VCF-style: chr12-8864011-A-C. GRCh37 (hg19) VCF-style: chr12-9016607-A-C.
Other names: c.2244+3A>C (NM_001282424.3).
Identifiers: ClinVar variation 2827232 (VCV002827232.3), dbSNP rs1421681855, ClinGen allele CA603219525.